The following is an entry in ClinVar:

NM_181523.3(PIK3R1):c.2014A>G (p.Ile672Val)

Gene: PIK3R1 (phosphoinositide-3-kinase regulatory subunit 1; plus strand). Cytogenetic location: 5q13.1.
Variant type: single nucleotide variant.
Coding change: c.2014A>G on transcript NM_181523.3 (MANE Select); coding-DNA position 2014, A replaced by G.
Protein change: p.Ile672Val; replaces isoleucine 672 with valine.
Molecular consequence: missense variant.
Genome position (GRCh38, 1-based): chr5:68,297,440, A>G. VCF-style: chr5-68297440-A-G. GRCh37 (hg19) VCF-style: chr5-67593268-A-G.
Other names: c.925A>G, p.Ile309Val (NM_001242466.2); c.1204A>G, p.Ile402Val (NM_181504.4); c.1114A>G, p.Ile372Val (NM_181524.2); short protein forms I309V, I372V, I402V, I672V.
Identifiers: ClinVar variation 1019038 (VCV001019038.13), dbSNP rs764638492, ClinGen allele CA119909217.

ClinVar aggregate classification (germline): Uncertain significance (1 of 4 stars; one submission).

Conditions:
Immunodeficiency 36 with lymphoproliferation. Also called: ACTIVATED PI3K-DELTA SYNDROME 2; Activated PI3K Delta Syndrome Type 2 (APDS2); Immunodeficiency 36. Identifiers: Orphanet 397596, Orphanet 693681, MedGen C4014934, MONDO:0014453, OMIM 616005.
Agammaglobulinemia 7, autosomal recessive (AGM7). Also called: AGAMMAGLOBULINEMIA, AUTOSOMAL RECESSIVE, DUE TO PIK3R1 DEFECT. Identifiers: MedGen C3554689, MONDO:0014083, OMIM 615214.
SHORT syndrome. Also called: SHORT STATURE, HYPEREXTENSIBILITY, HERNIA, OCULAR DEPRESSION, RIEGER ANOMALY, AND TEETHING DELAY; PIK3R1-Related SHORT Syndrome; LIPODYSTROPHY, PARTIAL, WITH RIEGER ANOMALY AND SHORT STATURE. Identifiers: Orphanet 3163, MedGen C0878684, MONDO:0010026, OMIM 269880.

Allele frequency attached by ClinVar (database versions not stated): gnomAD exomes below 0.00001; TOPMed below 0.00001.
gnomAD v4.1: 3 of 1,614,142 alleles (0.00019%); highest among the groups gnomAD compares: Non-Finnish European, 0.00025%; no homozygotes.

Submission:

Labcorp Genetics (formerly Invitae), Labcorp
Classification: Uncertain significance for SHORT syndrome; Immunodeficiency 36 with lymphoproliferation; Agammaglobulinemia 7, autosomal recessive. Last evaluated: 2022-06-27. Review status: criteria provided, single submitter. Criteria: Invitae Variant Classification Sherloc (09022015). Collection method: clinical testing. Allele origin: germline.
Comment: This sequence change replaces isoleucine, which is neutral and non-polar, with valine, which is neutral and non-polar, at codon 672 of the PIK3R1 protein (p.Ile672Val). This variant is not present in population databases (gnomAD no frequency). This variant has not been reported in the literature in individuals affected with PIK3R1-related conditions. ClinVar contains an entry for this variant (Variation ID: 1019038). Algorithms developed to predict the effect of missense changes on protein structure and function are either unavailable or do not agree on the potential impact of this missense change (SIFT: "Deleterious"; PolyPhen-2: "Benign"; Align-GVGD: "Class C25"). In summary, the available evidence is currently insufficient to determine the role of this variant in disease. Therefore, it has been classified as a Variant of Uncertain Significance.